The following is an entry in ClinVar:

ClinVar aggregate classification (germline): Uncertain significance (1 of 4 stars; one submission).

Conditions:
Hajdu-Cheney syndrome (HJCYS). Also called: SERPENTINE FIBULA-POLYCYSTIC KIDNEY SYNDROME; Acroosteolysis dominant type; ACROOSTEOLYSIS WITH OSTEOPOROSIS AND CHANGES IN SKULL AND MANDIBLE. Identifiers: Orphanet 955, MedGen C0917715, MONDO:0007057, OMIM 102500.

Allele frequency attached by ClinVar (database versions not stated): gnomAD exomes below 0.00001.
gnomAD v4.1: 2 of 1,612,930 alleles (0.00012%); highest among the groups gnomAD compares: Admixed American, 0.0017%; no homozygotes.

Submission:

Labcorp Genetics (formerly Invitae), Labcorp
Classification: Uncertain significance for Hajdu-Cheney syndrome. Last evaluated: 2025-10-23. Review status: criteria provided, single submitter. Criteria: Invitae Variant Classification Sherloc (09022015). Collection method: clinical testing. Allele origin: germline.
Comment: This sequence change replaces proline, which is neutral and non-polar, with threonine, which is neutral and polar, at codon 1391 of the NOTCH2 protein (p.Pro1391Thr). This variant is present in population databases (no rsID available, gnomAD 0.003%). This variant has not been reported in the literature in individuals affected with NOTCH2-related conditions. ClinVar contains an entry for this variant (Variation ID: 2911780). Invitae Evidence Modeling of protein sequence and biophysical properties (such as structural, functional, and spatial information, amino acid conservation, physicochemical variation, residue mobility, and thermodynamic stability) indicates that this missense variant is not expected to disrupt NOTCH2 protein function with a negative predictive value of 80%. In summary, the available evidence is currently insufficient to determine the role of this variant in disease. Therefore, it has been classified as a Variant of Uncertain Significance.

NM_024408.4(NOTCH2):c.4171C>A (p.Pro1391Thr)

Gene: NOTCH2 (notch receptor 2; minus strand). Cytogenetic location: 1p12.
Variant type: single nucleotide variant.
Coding change: c.4171C>A on transcript NM_024408.4 (MANE Select); coding-DNA position 4171, C replaced by A.
Protein change: p.Pro1391Thr; replaces proline 1391 with threonine.
Molecular consequence: missense variant.
Genome position (GRCh38, 1-based): chr1:119,925,645, G>T on the plus strand (C>A on the coding strand, the complement: NOTCH2 is on the minus strand). VCF-style: chr1-119925645-G-T. GRCh37 (hg19) VCF-style: chr1-120468268-G-T.
Other names: short protein forms P1391T.
Identifiers: ClinVar variation 2911780 (VCV002911780.3), dbSNP rs1203959372, ClinGen allele CA341890568.
Genomic context (GRCh38, chr1:119,925,645, plus strand): 5'-AGCGGCTACCCGAGAATGGTGGGGCACACTGGCAGGAGTAATAAGGAGGCTGGCGCTGAG[G>T]GTGGCAGCTGCCCCCGTGCTGGCAGGGGCTACTGGCACAGCCTGACTCGCAGTCCCGGGG-3'
Protein context (NP_077719.2, residues 1381-1401): SPCQHGGSCH[Pro1391Thr]QRQPPYYSCQ